The following is an entry in ClinVar:

ClinVar aggregate classification (germline): Uncertain significance (1 of 4 stars; one submission).

Allele frequency attached by ClinVar (database versions not stated): gnomAD exomes below 0.00001; ExAC 0.00001; gnomAD 0.00001.
gnomAD v4.1: 6 of 1,612,114 alleles (0.00037%); highest among the groups gnomAD compares: African/African-American, 0.0013%; no homozygotes.

Submission:

Labcorp Genetics (formerly Invitae), Labcorp
Classification: Uncertain significance. Last evaluated: 2022-11-16. Review status: criteria provided, single submitter. Criteria: Invitae Variant Classification Sherloc (09022015). Collection method: clinical testing. Allele origin: germline.
Comment: In summary, the available evidence is currently insufficient to determine the role of this variant in disease. Therefore, it has been classified as a Variant of Uncertain Significance. Algorithms developed to predict the effect of missense changes on protein structure and function are either unavailable or do not agree on the potential impact of this missense change (SIFT: "Deleterious"; PolyPhen-2: "Possibly Damaging"; Align-GVGD: "Class C0"). ClinVar contains an entry for this variant (Variation ID: 1480385). This variant has not been reported in the literature in individuals affected with RELA-related conditions. This variant is present in population databases (rs765199827, gnomAD 0.0009%). This sequence change replaces tyrosine, which is neutral and polar, with cysteine, which is neutral and slightly polar, at codon 20 of the RELA protein (p.Tyr20Cys).

NM_021975.4(RELA):c.59A>G (p.Tyr20Cys)

Gene: RELA (RELA proto-oncogene, NF-kB subunit; minus strand). Cytogenetic location: 11q13.1.
Variant type: single nucleotide variant.
Coding change: c.59A>G on transcript NM_021975.4 (MANE Select); coding-DNA position 59, A replaced by G.
Protein change: p.Tyr20Cys; replaces tyrosine 20 with cysteine.
Molecular consequence: missense variant.
Genome position (GRCh38, 1-based): chr11:65,662,064, T>C on the plus strand (A>G on the coding strand, the complement: RELA is on the minus strand). VCF-style: chr11-65662064-T-C. GRCh37 (hg19) VCF-style: chr11-65429535-T-C.
Other names: c.59A>G, p.Tyr20Cys (NM_001145138.2, NM_001243984.2, NM_001243985.2); short protein forms Y20C.
Identifiers: ClinVar variation 1480385 (VCV001480385.8), dbSNP rs765199827, ClinGen allele CA6106985.
Genomic context (GRCh38, chr11:65,662,064, plus strand): 5'-CCCTCGCACTTGTAGCGGAAGCGCATGCCCCGCTGCTTGGGCTGCTCAATGATCTCCACA[T>C]AGGGGCCAGAGGCCTGGGCTGGCTCTGCCAGGGGACACCGCAGCCCCATTAGGCGGCTGC-3'
Protein context (NP_068810.3, residues 10-30): PAEPAQASGP[Tyr20Cys]VEIIEQPKQR